The following is an entry in ClinVar:

ClinVar aggregate classification (germline): Uncertain significance. Review status: criteria provided, multiple submitters, no conflicts (2 of 4 stars). 2 submissions from 2 submitters: Uncertain significance (2). Last evaluated 2023-12-12.

Conditions:
Hereditary cancer-predisposing syndrome. Also called: Neoplastic Syndromes, Hereditary; Tumor predisposition; Hereditary Cancer Syndrome; Hereditary neoplastic syndrome. Identifiers: Orphanet 140162, MedGen C0027672, MeSH D009386, MONDO:0015356.
DICER1-related tumor predisposition. Also called: DICER1-related pleuropulmonary blastoma cancer predisposition syndrome; DICER1 syndrome. Identifiers: Orphanet 284343, MedGen C3839822, MONDO:0100216.

Submissions (2):

Labcorp Genetics (formerly Invitae), Labcorp
Classification: Uncertain significance for DICER1-related tumor predisposition. Last evaluated: 2023-12-12. Review status: criteria provided, single submitter. Criteria: Invitae Variant Classification Sherloc (09022015). Collection method: clinical testing. Allele origin: germline.
Comment: This sequence change replaces leucine, which is neutral and non-polar, with valine, which is neutral and non-polar, at codon 757 of the DICER1 protein (p.Leu757Val). This variant is not present in population databases (gnomAD no frequency). This variant has not been reported in the literature in individuals affected with DICER1-related conditions. ClinVar contains an entry for this variant (Variation ID: 543592). Advanced modeling of protein sequence and biophysical properties (such as structural, functional, and spatial information, amino acid conservation, physicochemical variation, residue mobility, and thermodynamic stability) performed at Invitae indicates that this missense variant is expected to disrupt DICER1 protein function with a positive predictive value of 80%. In summary, the available evidence is currently insufficient to determine the role of this variant in disease. Therefore, it has been classified as a Variant of Uncertain Significance.

Ambry Genetics
Classification: Uncertain significance for Hereditary cancer-predisposing syndrome. Last evaluated: 2021-01-07. Review status: criteria provided, single submitter. Criteria: Ambry Variant Classification Scheme 2023. Collection method: clinical testing. Allele origin: germline.
Comment: The p.L757V variant (also known as c.2269T>G), located in coding exon 14 of the DICER1 gene, results from a T to G substitution at nucleotide position 2269. The leucine at codon 757 is replaced by valine, an amino acid with highly similar properties. This amino acid position is highly conserved in available vertebrate species. In addition, the in silico prediction for this alteration is inconclusive. Since supporting evidence is limited at this time, the clinical significance of this alteration remains unclear.

NM_177438.3(DICER1):c.2269T>G (p.Leu757Val)

Gene: DICER1 (dicer 1, ribonuclease III; minus strand). Cytogenetic location: 14q32.13.
Variant type: single nucleotide variant.
Coding change: c.2269T>G on transcript NM_177438.3 (MANE Select); coding-DNA position 2269, T replaced by G.
Protein change: p.Leu757Val; replaces leucine 757 with valine.
Molecular consequence: missense variant.
Genome position (GRCh38, 1-based): chr14:95,108,491, A>C on the plus strand (T>G on the coding strand, the complement: DICER1 is on the minus strand). VCF-style: chr14-95108491-A-C. GRCh37 (hg19) VCF-style: chr14-95574828-A-C.
Other names: c.2269T>G, p.Leu757Val (NM_001195573.1, NM_001271282.3, NM_001291628.2 and 1 more transcripts); short protein forms L757V.
Identifiers: ClinVar variation 543592 (VCV000543592.12), dbSNP rs1555370956, ClinGen allele CA390882416.